The following is an entry in ClinVar:

ClinVar aggregate classification (germline): Uncertain significance. Review status: criteria provided, multiple submitters, no conflicts (2 of 4 stars). 3 submissions from 3 submitters: Uncertain significance (2). 1 of the submissions does not count toward it. Last evaluated 2025-05-13.

Conditions:
Inborn genetic diseases. Identifiers: MedGen C0950123, MeSH D030342.
PCNT-related disorder. Also called: PCNT-related condition.

Allele frequency attached by ClinVar (database versions not stated): ExAC 0.00004; gnomAD 0.00010; gnomAD exomes 0.00001; TOPMed 0.00007.
gnomAD v4.1: 28 of 1,612,850 alleles (0.0017%); highest among the groups gnomAD compares: African/African-American, 0.024%; no homozygotes.

Submissions (3):

Ambry Genetics
Classification: Uncertain significance for Inborn genetic diseases. Last evaluated: 2025-05-13. Review status: criteria provided, single submitter. Criteria: Ambry Variant Classification Scheme 2023. Collection method: clinical testing. Allele origin: germline.

Labcorp Genetics (formerly Invitae), Labcorp
Classification: Uncertain significance. Last evaluated: 2022-07-28. Review status: criteria provided, single submitter. Criteria: Invitae Variant Classification Sherloc (09022015). Collection method: clinical testing. Allele origin: germline.
Comment: This sequence change replaces valine, which is neutral and non-polar, with methionine, which is neutral and non-polar, at codon 2019 of the PCNT protein (p.Val2019Met). This variant is present in population databases (rs752870005, gnomAD 0.04%). This variant has not been reported in the literature in individuals affected with PCNT-related conditions. Algorithms developed to predict the effect of missense changes on protein structure and function output the following: SIFT: "Deleterious"; PolyPhen-2: "Benign"; Align-GVGD: "Class C0". The methionine amino acid residue is found in multiple mammalian species, which suggests that this missense change does not adversely affect protein function. In summary, the available evidence is currently insufficient to determine the role of this variant in disease. Therefore, it has been classified as a Variant of Uncertain Significance.

PreventionGenetics, part of Exact Sciences
Classification: Uncertain significance for PCNT-related condition. Last evaluated: 2024-06-03. Review status: no assertion criteria provided. Collection method: clinical testing. Allele origin: germline. Not counted in ClinVar's aggregate classification.
Comment: The PCNT c.6055G>A variant is predicted to result in the amino acid substitution p.Val2019Met. To our knowledge, this variant has not been reported in the literature. This variant is reported in 0.044% of alleles in individuals of African descent in gnomAD. At this time, the clinical significance of this variant is uncertain due to the absence of conclusive functional and genetic evidence.

NM_006031.6(PCNT):c.6055G>A (p.Val2019Met)

Gene: PCNT (pericentrin; plus strand). Cytogenetic location: 21q22.3.
Variant type: single nucleotide variant.
Coding change: c.6055G>A on transcript NM_006031.6 (MANE Select); coding-DNA position 6055, G replaced by A.
Protein change: p.Val2019Met; replaces valine 2019 with methionine.
Molecular consequence: missense variant.
Genome position (GRCh38, 1-based): chr21:46,412,897, G>A. VCF-style: chr21-46412897-G-A. GRCh37 (hg19) VCF-style: chr21-47832811-G-A.
Other names: c.5701G>A, p.Val1901Met (NM_001315529.2); c.6055G>A (NM_006031.5); short protein forms V2019M, V1901M.
Identifiers: ClinVar variation 2192749 (VCV002192749.3), dbSNP rs752870005, ClinGen allele CA10080188.